The following is an entry in ClinVar:

NM_001371986.1(UNC80):c.9724A>G (p.Thr3242Ala)

Gene: UNC80 (unc-80 subunit of NALCN channel complex; plus strand). Cytogenetic location: 2q34.
Variant type: single nucleotide variant.
Coding change: c.9724A>G on transcript NM_001371986.1 (MANE Select); coding-DNA position 9724, A replaced by G.
Protein change: p.Thr3242Ala; replaces threonine 3242 with alanine.
Molecular consequence: missense variant.
Genome position (GRCh38, 1-based): chr2:209,995,344, A>G. VCF-style: chr2-209995344-A-G. GRCh37 (hg19) VCF-style: chr2-210860068-A-G.
Other names: c.9526A>G, p.Thr3176Ala (NM_032504.2); c.9454A>G, p.Thr3152Ala (NM_182587.4); short protein forms T3176A, T3242A, T3152A.
Identifiers: ClinVar variation 2101749 (VCV002101749.4), dbSNP rs2471270224, ClinGen allele CA350416158.

ClinVar aggregate classification (germline): Uncertain significance (1 of 4 stars; one submission).

Submission:

Labcorp Genetics (formerly Invitae), Labcorp
Classification: Uncertain significance. Last evaluated: 2025-03-17. Review status: criteria provided, single submitter. Criteria: Invitae Variant Classification Sherloc (09022015). Collection method: clinical testing. Allele origin: germline.
Comment: This sequence change replaces threonine, which is neutral and polar, with alanine, which is neutral and non-polar, at codon 3176 of the UNC80 protein (p.Thr3176Ala). This variant is not present in population databases (gnomAD no frequency). This variant has not been reported in the literature in individuals affected with UNC80-related conditions. ClinVar contains an entry for this variant (Variation ID: 2101749). Invitae Evidence Modeling of protein sequence and biophysical properties (such as structural, functional, and spatial information, amino acid conservation, physicochemical variation, residue mobility, and thermodynamic stability) indicates that this missense variant is not expected to disrupt UNC80 protein function with a negative predictive value of 80%. In summary, the available evidence is currently insufficient to determine the role of this variant in disease. Therefore, it has been classified as a Variant of Uncertain Significance.